The following is an entry in ClinVar:

NM_001080517.3(SETD5):c.833G>A (p.Arg278His)

Gene: SETD5 (SET domain containing 5; plus strand). Cytogenetic location: 3p25.3.
Variant type: single nucleotide variant.
Coding change: c.833G>A on transcript NM_001080517.3 (MANE Select); coding-DNA position 833, G replaced by A.
Protein change: p.Arg278His; replaces arginine 278 with histidine.
Molecular consequence: missense variant.
Genome position (GRCh38, 1-based): chr3:9,441,615, G>A. VCF-style: chr3-9441615-G-A. GRCh37 (hg19) VCF-style: chr3-9483299-G-A.
Other names: c.539G>A, p.Arg180His (NM_001292043.2, NM_001349451.2); c.929G>A, p.Arg310His (NM_001437633.1); c.890G>A, p.Arg297His (NM_001437635.1); c.833G>A, p.Arg278His (NM_001437643.1); c.872G>A, p.Arg291His (NM_001437701.1); short protein forms R310H, R180H, R297H, R291H, R278H.
Identifiers: ClinVar variation 4630618 (VCV004630618.1).

ClinVar aggregate classification (germline): Uncertain significance (1 of 4 stars; one submission).

Conditions:
Inborn genetic diseases. Identifiers: MedGen C0950123, MeSH D030342.

gnomAD v4.1: 16 of 1,613,896 alleles (0.00099%); highest among the groups gnomAD compares: Non-Finnish European, 0.0013%; no homozygotes.

Submission:

Ambry Genetics
Classification: Uncertain significance for Inborn genetic diseases. Last evaluated: 2025-11-26. Review status: criteria provided, single submitter. Criteria: Ambry Variant Classification Scheme 2023. Collection method: clinical testing. Allele origin: germline.
Comment: The c.833G>A (p.R278H) alteration is located in exon 9 (coding exon 7) of the SETD5 gene. This alteration results from a G to A substitution at nucleotide position 833, causing the arginine (R) at amino acid position 278 to be replaced by a histidine (H). Based on data from gnomAD, the A allele has an overall frequency of <0.001% (1/249114) total alleles studied. The highest observed frequency was 0.001% (1/112886) of European (non-Finnish) alleles. Based on insufficient or conflicting evidence, the clinical significance of this alteration remains unclear.